The following is an entry in ClinVar:

NM_001142966.3(GREB1L):c.5566T>C (p.Ser1856Pro)

Gene: GREB1L (GREB1 like retinoic acid receptor coactivator; plus strand). Cytogenetic location: 18q11.2.
Variant type: single nucleotide variant.
Coding change: c.5566T>C on transcript NM_001142966.3 (MANE Select); coding-DNA position 5566, T replaced by C.
Protein change: p.Ser1856Pro; replaces serine 1856 with proline.
Molecular consequence: missense variant.
Genome position (GRCh38, 1-based): chr18:21,520,781, T>C. VCF-style: chr18-21520781-T-C. GRCh37 (hg19) VCF-style: chr18-19100742-T-C.
Other names: c.5695T>C, p.Ser1899Pro (NM_001410867.1); c.5239T>C, p.Ser1747Pro (NM_001410868.1); short protein forms S1747P, S1899P, S1856P.
Identifiers: ClinVar variation 1966193 (VCV001966193.5), dbSNP rs1462346058, ClinGen allele CA401738906.
Genomic context (GRCh38, chr18:21,520,781, plus strand): 5'-TCCAGCAATGTCAACTGTGAAGGGGTGTTTTTCAGTGGACTCCTTTTGTACCTCTGTGAC[T>C]CTTTTGTAGGTGCTGATCTTAAGAAATTTAAATTTCTAAAAGGTAAGTCAAATTTAGTAT-3'
Protein context (NP_001136438.1, residues 1846-1866): FSGLLLYLCD[Ser1856Pro]FVGADLKKFK

ClinVar aggregate classification (germline): Uncertain significance (1 of 4 stars; one submission).

Allele frequency attached by ClinVar (database versions not stated): TOPMed below 0.00001.

Submission:

Labcorp Genetics (formerly Invitae), Labcorp
Classification: Uncertain significance. Last evaluated: 2022-09-09. Review status: criteria provided, single submitter. Criteria: Invitae Variant Classification Sherloc (09022015). Collection method: clinical testing. Allele origin: germline.
Comment: Algorithms developed to predict the effect of missense changes on protein structure and function are either unavailable or do not agree on the potential impact of this missense change (SIFT: "Not Available"; PolyPhen-2: "Probably Damaging"; Align-GVGD: "Not Available"). In summary, the available evidence is currently insufficient to determine the role of this variant in disease. Therefore, it has been classified as a Variant of Uncertain Significance. This variant has not been reported in the literature in individuals affected with GREB1L-related conditions. This variant is not present in population databases (gnomAD no frequency). This sequence change replaces serine, which is neutral and polar, with proline, which is neutral and non-polar, at codon 1856 of the GREB1L protein (p.Ser1856Pro).